The following is an entry in ClinVar:

ClinVar aggregate classification (germline): Pathogenic. Review status: criteria provided, multiple submitters, no conflicts (2 of 4 stars). 3 submissions from 3 submitters: Pathogenic (3). Last evaluated 2024-11-03.

Conditions:
Sandhoff disease. Also called: Beta-hexosaminidase-beta-subunit deficiency; GM2 gangliosidosis, type 2; Total hexosaminidase deficiency; Sandhoff-Jatzkewitz-Pilz disease; GM2-GANGLIOSIDOSIS, TYPE II; HEXOSAMINIDASES A AND B DEFICIENCY. Identifiers: Orphanet 796, MedGen C0036161, MONDO:0010006, OMIM 268800.

Submissions (3):

3billion
Classification: Pathogenic for Sandhoff disease. Last evaluated: 2024-11-03. Review status: criteria provided, single submitter. Criteria: ACMG Guidelines, 2015. Collection method: clinical testing. Allele origin: germline. Affected: yes.
Comment: The variant is observed at an extremely low frequency in the gnomAD v4.1.0 dataset (total allele frequency: <0.001%). Predicted Consequence/Location: Frameshift: predicted to result in a loss or disruption of normal protein function through nonsense-mediated decay (NMD) or protein truncation. Multiple pathogenic variants are reported downstream of the variant. The variant has been reported at least twice as pathogenic with clinical assertions and evidence for the classification (ClinVar ID: VCV002203659 /PMID: 11292324). Therefore, this variant is classified as Pathogenic according to the recommendation of ACMG/AMP guideline.

Revvity Omics, Revvity
Classification: Pathogenic for Sandhoff disease. Last evaluated: 2023-08-04. Review status: criteria provided, single submitter. Criteria: ACMG Guidelines, 2015. Collection method: clinical testing. Allele origin: germline.

Labcorp Genetics (formerly Invitae), Labcorp
Classification: Pathogenic for Sandhoff disease. Last evaluated: 2023-05-22. Review status: criteria provided, single submitter. Criteria: Invitae Variant Classification Sherloc (09022015). Collection method: clinical testing. Allele origin: germline.
Comment: This variant is also known as 497 DeltaAGTT or c.534delAGTT. For these reasons, this variant has been classified as Pathogenic. This premature translational stop signal has been observed in individual(s) with Sandhoff disease (PMID: 11292324, 18758829). This variant is present in population databases (no rsID available, gnomAD 0.0009%). This sequence change creates a premature translational stop signal (p.Leu178Phefs*28) in the HEXB gene. It is expected to result in an absent or disrupted protein product. Loss-of-function variants in HEXB are known to be pathogenic (PMID: 7550345, 18758829).

Literature cited by the submitters: PubMed 11292324 (cited by 3billion and Labcorp Genetics (formerly Invitae), Labcorp); PubMed 18758829 (cited by Labcorp Genetics (formerly Invitae), Labcorp); PubMed 7550345 (cited by Labcorp Genetics (formerly Invitae), Labcorp).

NM_000521.4(HEXB):c.534_537del (p.Leu178fs)

Gene: HEXB (hexosaminidase subunit beta; plus strand). Cytogenetic location: 5q13.3.
Variant type: Microsatellite.
Coding change: c.534_537del on transcript NM_000521.4 (MANE Select); coding-DNA positions 534 to 537, 4 bases deleted (AGTT; older notation c.534_537delAGTT).
Protein change: p.Leu178fs; shifts the reading frame from leucine 178.
Molecular consequence: frameshift variant. On other transcripts: 5 prime UTR variant (1).
Genome position (GRCh38, 1-based): chr5:74,696,715-74,696,718, AGTT deleted; deleting any 4 consecutive bases within chr5:74,696,711-74,696,718 gives the same sequence; the c. name uses the placement nearest the transcript's 3' end. VCF-style (leftmost placement, unchanged base first): chr5-74696710-CAGTT-C. GRCh37 (hg19) VCF-style: chr5-73992535-CAGTT-C.
Other names: c.-146AGTT[1] (NM_001292004.2); short protein forms L178fs.
Identifiers: ClinVar variation 2203659 (VCV002203659.7), dbSNP rs1169072396, ClinGen allele CA560766108.